The following is an entry in ClinVar:

NM_018129.4(PNPO):c.-24G>A

Gene: PNPO (pyridoxamine 5'-phosphate oxidase; plus strand). Cytogenetic location: 17q21.32.
Variant type: single nucleotide variant.
Coding change: c.-24G>A on transcript NM_018129.4 (MANE Select); 24 bases upstream of the start codon, G replaced by A.
Molecular consequence: 5 prime UTR variant.
Genome position (GRCh38, 1-based): chr17:47,941,652, G>A. VCF-style: chr17-47941652-G-A. GRCh37 (hg19) VCF-style: chr17-46019018-G-A.
Identifiers: ClinVar variation 516486 (VCV000516486.1), dbSNP rs944038833, ClinGen allele CA291292973.

ClinVar aggregate classification (germline): Likely benign (1 of 4 stars; one submission).

Allele frequency attached by ClinVar (database versions not stated): gnomAD exomes 0.00002; gnomAD 0.00003 and 0.00004; TOPMed 0.00003.

Submission:

GeneDx
Classification: Likely benign. Last evaluated: 2017-09-14. Review status: criteria provided, single submitter. Criteria: GeneDx Variant Classification (06012015). Collection method: clinical testing. Allele origin: germline. Affected: yes.
Comment: This variant is considered likely benign or benign based on one or more of the following criteria: it is a conservative change, it occurs at a poorly conserved position in the protein, it is predicted to be benign by multiple in silico algorithms, and/or has population frequency not consistent with disease.